The following is an entry in ClinVar:

NM_002392.6(MDM2):c.80C>T (p.Ala27Val)

Genes: MDM2 (MDM2 proto-oncogene; plus strand), LOC126861563 (CDK7 strongly-dependent group 2 enhancer GRCh37_chr12:69202246-69203445; plus strand). Cytogenetic location: 12q15.
Variant type: single nucleotide variant.
Coding change: c.80C>T on transcript NM_002392.6 (MANE Select); coding-DNA position 80, C replaced by T.
Protein change: p.Ala27Val; replaces alanine 27 with valine.
Molecular consequence: missense variant.
Genome position (GRCh38, 1-based): chr12:68,809,273, C>T. VCF-style: chr12-68809273-C-T. GRCh37 (hg19) VCF-style: chr12-69203053-C-T.
Other names: c.62C>T, p.Ala21Val (NM_001145337.3, NM_001145340.3, NM_001278462.2 and 1 more transcripts); c.80C>T, p.Ala27Val (NM_001145339.2); short protein forms A21V, A27V.
Identifiers: ClinVar variation 3670173 (VCV003670173.2).

ClinVar aggregate classification (germline): Uncertain significance (1 of 4 stars; one submission).

Conditions:
Accelerated tumor formation, susceptibility to (ACTFS). Identifiers: MedGen C3280690, OMIM 614401, MONDO:0013733.

gnomAD v4.1: 4 of 1,614,058 alleles (0.00025%); highest among the groups gnomAD compares: East Asian, 0.0022%; no homozygotes.

Submission:

Labcorp Genetics (formerly Invitae), Labcorp
Classification: Uncertain significance for Accelerated tumor formation, susceptibility to. Last evaluated: 2026-01-14. Review status: criteria provided, single submitter. Criteria: Invitae Variant Classification Sherloc (09022015). Collection method: clinical testing. Allele origin: germline.
Comment: This sequence change replaces alanine, which is neutral and non-polar, with valine, which is neutral and non-polar, at codon 27 of the MDM2 protein (p.Ala27Val). This variant is not present in population databases (gnomAD no frequency). This variant has not been reported in the literature in individuals affected with MDM2-related conditions. ClinVar contains an entry for this variant (Variation ID: 3670173). An algorithm developed to predict the effect of missense changes on protein structure and function (PolyPhen-2) suggests that this variant is likely to be disruptive. In summary, the available evidence is currently insufficient to determine the role of this variant in disease. Therefore, it has been classified as a Variant of Uncertain Significance.